The following is an entry in ClinVar:

ClinVar aggregate classification (germline): Uncertain significance (1 of 4 stars; one submission).

Conditions:
Inborn genetic diseases. Identifiers: MedGen C0950123, MeSH D030342.

Submission:

Ambry Genetics
Classification: Uncertain significance for Inborn genetic diseases. Last evaluated: 2021-05-24. Review status: criteria provided, single submitter. Criteria: Ambry Variant Classification Scheme 2023. Collection method: clinical testing. Allele origin: germline.
Comment: The p.H1545Q variant (also known as c.4635C>G), located in coding exon 38 of the DNMT1 gene, results from a C to G substitution at nucleotide position 4635. The histidine at codon 1545 is replaced by glutamine, an amino acid with highly similar properties. This amino acid position is highly conserved in available vertebrate species. In addition, the in silico prediction for this alteration is inconclusive. Since supporting evidence is limited at this time, the clinical significance of this alteration remains unclear.

NM_001130823.3(DNMT1):c.4683C>G (p.His1561Gln)

Genes: DNMT1 (DNA methyltransferase 1; minus strand), LOC126862853 (CDK7 strongly-dependent group 2 enhancer GRCh37_chr19:10246117-10247316; plus strand). Cytogenetic location: 19p13.2.
Variant type: single nucleotide variant.
Coding change: c.4683C>G on transcript NM_001130823.3 (MANE Select); coding-DNA position 4683, C replaced by G.
Protein change: p.His1561Gln; replaces histidine 1561 with glutamine.
Molecular consequence: missense variant.
Genome position (GRCh38, 1-based): chr19:10,135,826, G>C on the plus strand (C>G on the coding strand, the complement: DNMT1 is on the minus strand). VCF-style: chr19-10135826-G-C. GRCh37 (hg19) VCF-style: chr19-10246502-G-C.
Other names: c.4644C>G, p.His1548Gln (NM_001318730.2); c.4320C>G, p.His1440Gln (NM_001318731.2); c.4635C>G, p.His1545Gln (NM_001379.4); short protein forms H1545Q, H1548Q, H1561Q, H1440Q.
Identifiers: ClinVar variation 1742058 (VCV001742058.2), dbSNP rs748298564, ClinGen allele CA403968116.